The following is an entry in ClinVar:

ClinVar aggregate classification (germline): Uncertain significance (1 of 4 stars; one submission).

Conditions:
Focal segmental glomerulosclerosis 5 (FSGS5). Identifiers: Orphanet 656, MedGen C2750475, MONDO:0013191, OMIM 613237.
Charcot-Marie-Tooth disease dominant intermediate E. Also called: CHARCOT-MARIE-TOOTH NEUROPATHY WITH FOCAL SEGMENTAL GLOMERULONEPHRITIS. Identifiers: Orphanet 93114, MedGen C4302667, MONDO:0013758, OMIM 614455.

Allele frequency attached by ClinVar (database versions not stated): gnomAD exomes 0.00001.
gnomAD v4.1: 8 of 1,106,430 alleles (0.00072%); highest among the groups gnomAD compares: South Asian, 0.0095%; no homozygotes.

Submission:

Labcorp Genetics (formerly Invitae), Labcorp
Classification: Uncertain significance for Charcot-Marie-Tooth disease dominant intermediate E; Focal segmental glomerulosclerosis 5. Last evaluated: 2025-04-26. Review status: criteria provided, single submitter. Criteria: Invitae Variant Classification Sherloc (09022015). Collection method: clinical testing. Allele origin: germline.
Comment: This sequence change replaces proline, which is neutral and non-polar, with leucine, which is neutral and non-polar, at codon 442 of the INF2 protein (p.Pro442Leu). The frequency data for this variant in the population databases is considered unreliable, as metrics indicate poor data quality at this position in the gnomAD database. This variant has not been reported in the literature in individuals affected with INF2-related conditions. ClinVar contains an entry for this variant (Variation ID: 2159188). Invitae Evidence Modeling of protein sequence and biophysical properties (such as structural, functional, and spatial information, amino acid conservation, physicochemical variation, residue mobility, and thermodynamic stability) indicates that this missense variant is not expected to disrupt INF2 protein function with a negative predictive value of 95%. In summary, the available evidence is currently insufficient to determine the role of this variant in disease. Therefore, it has been classified as a Variant of Uncertain Significance.

NM_022489.4(INF2):c.1325C>T (p.Pro442Leu)

Gene: INF2 (inverted formin 2; plus strand). Cytogenetic location: 14q32.33.
Variant type: single nucleotide variant.
Coding change: c.1325C>T on transcript NM_022489.4 (MANE Select); coding-DNA position 1325, C replaced by T.
Protein change: p.Pro442Leu; replaces proline 442 with leucine.
Molecular consequence: missense variant.
Genome position (GRCh38, 1-based): chr14:104,707,592, C>T. VCF-style: chr14-104707592-C-T. GRCh37 (hg19) VCF-style: chr14-105173929-C-T.
Other names: c.1325C>T, p.Pro442Leu (NM_001031714.4); short protein forms P442L.
Identifiers: ClinVar variation 2159188 (VCV002159188.4), dbSNP rs1566781656, ClinGen allele CA391216593.